The following is an entry in ClinVar:

ClinVar aggregate classification (germline): Conflicting classifications of pathogenicity. Review status: criteria provided, conflicting classifications (1 of 4 stars). 3 submissions from 3 submitters: Uncertain significance (1); Likely benign (2). Last evaluated 2026-01-06.

Conditions:
Hereditary cancer-predisposing syndrome. Also called: Hereditary Cancer Syndrome; Neoplastic Syndromes, Hereditary; Tumor predisposition; Hereditary neoplastic syndrome. Identifiers: Orphanet 140162, MedGen C0027672, MeSH D009386, MONDO:0015356.
Rhabdoid tumor predisposition syndrome 2 (RTPS2). Identifiers: Orphanet 231108, Orphanet 69077, MedGen C2750074, MONDO:0013224, OMIM 613325.

gnomAD v4.1: 1 of 1,614,228 alleles (0.000062%); no homozygotes.

Submissions (3):

Labcorp Genetics (formerly Invitae), Labcorp
Classification: Likely benign for Rhabdoid tumor predisposition syndrome 2. Last evaluated: 2026-01-06. Review status: criteria provided, single submitter. Criteria: Invitae Variant Classification Sherloc (09022015). Collection method: clinical testing. Allele origin: germline.

GeneDx
Classification: Uncertain significance. Last evaluated: 2023-10-25. Review status: criteria provided, single submitter. Criteria: GeneDx Variant Classification Process June 2021. Collection method: clinical testing. Allele origin: germline. Affected: yes.
Comment: Not observed at significant frequency in large population cohorts (gnomAD); Has not been previously published as pathogenic or benign to our knowledge; In silico analysis suggests this variant may impact gene splicing. In the absence of RNA/functional studies, the actual effect of this sequence change is unknown

Ambry Genetics
Classification: Likely benign for Hereditary cancer-predisposing syndrome. Last evaluated: 2017-06-29. Review status: criteria provided, single submitter. Criteria: Ambry Variant Classification Scheme 2023. Collection method: clinical testing. Allele origin: germline.

NM_003072.5(SMARCA4):c.1656C>T (p.Tyr552=)

Gene: SMARCA4 (SWI/SNF related BAF chromatin remodeling complex subunit ATPase 4; plus strand). Cytogenetic location: 19p13.2.
Variant type: single nucleotide variant.
Coding change: c.1656C>T on transcript NM_003072.5 (MANE Select); coding-DNA position 1656, C replaced by T.
Protein change: p.Tyr552=; no amino-acid change (tyrosine 552 retained).
Molecular consequence: synonymous variant. On other transcripts: non-coding transcript variant (1).
Genome position (GRCh38, 1-based): chr19:10,996,275, C>T. VCF-style: chr19-10996275-C-T. GRCh37 (hg19) VCF-style: chr19-11106951-C-T.
Other names: c.1656C>T, p.Tyr552= (NM_001128844.3, NM_001128845.2, NM_001128846.2 and 5 more transcripts).
Identifiers: ClinVar variation 480598 (VCV000480598.15), dbSNP rs1055237124, ClinGen allele CA305291278.